The following is an entry in ClinVar:

ClinVar aggregate classification (germline): Pathogenic/Likely pathogenic. Review status: criteria provided, multiple submitters, no conflicts (2 of 4 stars). 3 submissions from 3 submitters: Pathogenic (1); Likely pathogenic (2). Last evaluated 2026-02-25.

Conditions:
Complex neurodevelopmental disorder. Identifiers: Orphanet 528084, MedGen C5568766, MONDO:0100038.
Seizures, benign familial infantile, 3 (BFIS3). Also called: CONVULSIONS, BENIGN FAMILIAL INFANTILE, 3; Familial neonatal seizures. Identifiers: Orphanet 140927, Orphanet 306, MedGen C1843140, MONDO:0011904, OMIM 607745.
Developmental and epileptic encephalopathy, 11 (DEE11). Also called: Early infantile epileptic encephalopathy 11. Identifiers: Orphanet 1934, MedGen C3150987, MONDO:0013388, OMIM 613721.

Submissions (3):

GeneDx
Classification: Pathogenic. Last evaluated: 2026-02-25. Review status: criteria provided, single submitter. Criteria: GeneDx Variant Classification Process June 2021. Collection method: clinical testing. Allele origin: germline.
Comment: Not observed at significant frequency in large population cohorts (gnomAD); In silico analysis supports that this missense variant has a deleterious effect on protein structure/function; Has not been previously published as pathogenic or benign to our knowledge

Labcorp Genetics (formerly Invitae), Labcorp
Classification: Likely pathogenic for Seizures, benign familial infantile, 3; Developmental and epileptic encephalopathy, 11. Last evaluated: 2024-10-25. Review status: criteria provided, single submitter. Criteria: Invitae Variant Classification Sherloc (09022015). Collection method: clinical testing. Allele origin: germline.
Comment: This sequence change replaces arginine, which is basic and polar, with cysteine, which is neutral and slightly polar, at codon 1629 of the SCN2A protein (p.Arg1629Cys). This variant is not present in population databases (gnomAD no frequency). This variant has not been reported in the literature in individuals affected with SCN2A-related conditions. ClinVar contains an entry for this variant (Variation ID: 840614). Invitae Evidence Modeling of protein sequence and biophysical properties (such as structural, functional, and spatial information, amino acid conservation, physicochemical variation, residue mobility, and thermodynamic stability) indicates that this missense variant is expected to disrupt SCN2A protein function with a positive predictive value of 95%. This variant disrupts the p.Arg1629 amino acid residue in SCN2A. Other variant(s) that disrupt this residue have been determined to be pathogenic (PMID: 23935176, 28379373, 29100083). This suggests that this residue is clinically significant, and that variants that disrupt this residue are likely to be disease-causing. In summary, the currently available evidence indicates that the variant is pathogenic, but additional data are needed to prove that conclusively. Therefore, this variant has been classified as Likely Pathogenic.

Molecular Genetics, Royal Melbourne Hospital
Classification: Likely pathogenic for Complex neurodevelopmental disorder. Last evaluated: 2024-01-05. Review status: criteria provided, single submitter. Criteria: ACMG Guidelines, 2015. Collection method: clinical testing. Allele origin: germline. Inheritance: Autosomal dominant inheritance. Affected: yes.
Comment: This sequence change in SCN2A is predicted to replace arginine with cysteine at codon 1629, p.(Arg1629Cys). The arginine residue is highly conserved (100 vertebrates, UCSC), and is a critical arginine residue (equivalent to conserved R2) in the S4 transmembrane helix of the voltage sensing domain (VSD)-IV (PMID: 20869590, 29769724). There is a large physicochemical difference between arginine and cysteine. This variant is absent from the population database gnomAD v2.1 and v3.1. This variant has been observed in an individual with genetically explained syndromic autosomal recessive retinitis pigmentosa that had not undergone a neurological assessment (PMID: 27548899). Computational evidence predicts a deleterious effect for the missense substitution (REVEL = 0.905). Another missense variant c.4886G>A, p.(Arg1629His) in the same codon with a smaller physicochemical difference has been classified as pathogenic for epileptic encephalopathy (PMID: 28379373, 30619928; ClinVar Variation ID: 207019). Based on the classification scheme RMH Modified ACMG/AMP Guidelines v1.6.1, this variant is classified as LIKELY PATHOGENIC. Following criteria are met: PM1, PM5, PM2_Supporting, PP3.

Literature cited by the submitters: PubMed 23935176 (cited by Labcorp Genetics (formerly Invitae), Labcorp); PubMed 28379373 (cited by Labcorp Genetics (formerly Invitae), Labcorp and Molecular Genetics, Royal Melbourne Hospital); PubMed 29100083 (cited by Labcorp Genetics (formerly Invitae), Labcorp); PubMed 20869590 (cited by Molecular Genetics, Royal Melbourne Hospital); PubMed 27548899 (cited by Molecular Genetics, Royal Melbourne Hospital); PubMed 29769724 (cited by Molecular Genetics, Royal Melbourne Hospital); PubMed 30619928 (cited by Molecular Genetics, Royal Melbourne Hospital).

NM_001040142.2(SCN2A):c.4885C>T (p.Arg1629Cys)

Gene: SCN2A (sodium voltage-gated channel alpha subunit 2; plus strand). Cytogenetic location: 2q24.3.
Variant type: single nucleotide variant.
Coding change: c.4885C>T on transcript NM_001040142.2 (MANE Select); coding-DNA position 4885, C replaced by T.
Protein change: p.Arg1629Cys; replaces arginine 1629 with cysteine.
Molecular consequence: missense variant.
Genome position (GRCh38, 1-based): chr2:165,388,691, C>T. VCF-style: chr2-165388691-C-T. GRCh37 (hg19) VCF-style: chr2-166245201-C-T.
Other names: c.4885C>T, p.Arg1629Cys (NM_001040143.2, NM_001371246.1, NM_001371247.1 and 1 more transcripts); short protein forms R1629C.
Identifiers: ClinVar variation 840614 (VCV000840614.12), dbSNP rs1702003567, ClinGen allele CA349037704.